The following is an entry in ClinVar:

NM_000016.6(ACADM):c.572G>A (p.Trp191Ter)

Gene: ACADM (acyl-CoA dehydrogenase medium chain; plus strand). Cytogenetic location: 1p31.1.
Variant type: single nucleotide variant.
Coding change: c.572G>A on transcript NM_000016.6 (MANE Select); coding-DNA position 572, G replaced by A.
Protein change: p.Trp191Ter; replaces tryptophan 191 with a stop codon.
Molecular consequence: nonsense.
Genome position (GRCh38, 1-based): chr1:75,740,083, G>A. VCF-style: chr1-75740083-G-A. GRCh37 (hg19) VCF-style: chr1-76205768-G-A.
Other names: c.584G>A, p.Trp195Ter (NM_001127328.3); c.464G>A, p.Trp155Ter (NM_001286042.2); c.671G>A, p.Trp224Ter (NM_001286043.2); c.5G>A, p.Trp2Ter (NM_001286044.2); short protein forms W155*, W191*, W195*, W2*, W224*.
Identifiers: ClinVar variation 3240809 (VCV003240809.2), dbSNP rs761334406.
Genomic context (GRCh38, chr1:75,740,083, plus strand): 5'-GTATAAAGACCAAAGCAGAAAAGAAAGGAGATGAGTATATTATTAATGGTCAGAAGATGT[G>A]GATAACCAACGGAGGAAAAGCTAATTGGTATGTTGTTCAAAACATCTTTGTATATTTTTT-3'

ClinVar aggregate classification (germline): Pathogenic. Review status: criteria provided, multiple submitters, no conflicts (2 of 4 stars). 2 submissions from 2 submitters: Pathogenic (2). Last evaluated 2025-06-23.

Conditions:
Medium-chain acyl-coenzyme A dehydrogenase deficiency (ACADMD). Also called: ACADM DEFICIENCY; CARNITINE DEFICIENCY SECONDARY TO MEDIUM-CHAIN ACYL-CoA DEHYDROGENASE DEFICIENCY; MCADH DEFICIENCY; MCADD; Medium chain acyl-CoA dehydrogenase deficiency; MCAD Deficiency. Identifiers: Orphanet 42, MedGen C0220710, MONDO:0008721, OMIM 201450.

Allele frequency attached by ClinVar (database versions not stated): gnomAD exomes below 0.00001; ExAC 0.00001.
gnomAD v4.1: 2 of 1,612,362 alleles (0.00012%); highest among the groups gnomAD compares: South Asian, 0.0022%; no homozygotes.

Submissions (2):

Natera, Inc.
Classification: Pathogenic for Medium Chain Acyl-CoA Dehydrogenase Deficiency. Last evaluated: 2025-06-23. Review status: criteria provided, single submitter. Criteria: Natera Variant Classification Schema (03/2026). Collection method: clinical testing. Allele origin: germline.
Comment: The c.572G>A variant in ACADM is a nonsense variant predicted to introduce a stop codon at amino acid 191. This variant is expected to result in nonsense mediated decay, truncation, or a dysfunctional protein product. This variant is rare in the general population with a frequency below the threshold expected for the associated phenotype(s). This variant has been observed in one or more individuals affected with the associated recessive disease, as either homozygous or compound heterozygous with a second variant (PMID: 37308883). Given the available evidence, this variant is classified as Pathogenic.

Baylor Genetics
Classification: Pathogenic for Medium-chain acyl-coenzyme A dehydrogenase deficiency. Last evaluated: 2024-01-24. Review status: criteria provided, single submitter. Criteria: ACMG Guidelines, 2015. Collection method: clinical testing. Allele origin: unknown.

Literature cited by the submitters: PubMed 37308883 (cited by Natera, Inc.).